The following is an entry in ClinVar:

NM_001378452.1(ITPR1):c.279+4C>T

Gene: ITPR1 (inositol 1,4,5-trisphosphate receptor type 1; plus strand). Cytogenetic location: 3p26.1.
Variant type: single nucleotide variant.
Coding change: c.279+4C>T on transcript NM_001378452.1 (MANE Select); 4 bases into the intron after coding-DNA position 279, C replaced by T.
Molecular consequence: intron variant.
Genome position (GRCh38, 1-based): chr3:4,627,882, C>T. VCF-style: chr3-4627882-C-T. GRCh37 (hg19) VCF-style: chr3-4669566-C-T.
Other names: c.279+4C>T (NM_001099952.4, NM_001168272.2, NM_002222.7).
Identifiers: ClinVar variation 2874187 (VCV002874187.3), dbSNP rs764519723, ClinGen allele CA2230837.

ClinVar aggregate classification (germline): Uncertain significance (1 of 4 stars; one submission).

Allele frequency attached by ClinVar (database versions not stated): ExAC 0.00001; gnomAD exomes below 0.00001; TOPMed 0.00001.
gnomAD v4.1: 6 of 1,593,094 alleles (0.00038%); highest among the groups gnomAD compares: South Asian, 0.0011%; no homozygotes.

Submission:

Labcorp Genetics (formerly Invitae), Labcorp
Classification: Uncertain significance. Last evaluated: 2025-12-31. Review status: criteria provided, single submitter. Criteria: Invitae Variant Classification Sherloc (09022015). Collection method: clinical testing. Allele origin: germline.
Comment: This sequence change falls in intron 5 of the ITPR1 gene. It does not directly change the encoded amino acid sequence of the ITPR1 protein. It affects a nucleotide within the consensus splice site. This variant is not present in population databases (gnomAD no frequency). This variant has not been reported in the literature in individuals affected with ITPR1-related conditions. ClinVar contains an entry for this variant (Variation ID: 2874187). Variants that disrupt the consensus splice site are a relatively common cause of aberrant splicing (PMID: 17576681, 9536098). Algorithms developed to predict the effect of sequence changes on RNA splicing suggest that this variant is not likely to affect RNA splicing. In summary, the available evidence is currently insufficient to determine the role of this variant in disease. Therefore, it has been classified as a Variant of Uncertain Significance.

Literature cited by the submitters: PubMed 17576681; PubMed 9536098.